The following is an entry in ClinVar:

NM_025114.4(CEP290):c.291A>G (p.Glu97=)

Gene: CEP290 (centrosomal protein 290; minus strand). Cytogenetic location: 12q21.32.
Variant type: single nucleotide variant.
Coding change: c.291A>G on transcript NM_025114.4 (MANE Select); coding-DNA position 291, A replaced by G.
Protein change: p.Glu97=; no amino-acid change (glutamic acid 97 retained).
Molecular consequence: synonymous variant.
Genome position (GRCh38, 1-based): chr12:88,139,151, T>C on the plus strand (A>G on the coding strand, the complement: CEP290 is on the minus strand). VCF-style: chr12-88139151-T-C. GRCh37 (hg19) VCF-style: chr12-88532928-T-C.
Other names: c.291A>G (NM_025114.3).
Identifiers: ClinVar variation 1135306 (VCV001135306.11), dbSNP rs757402765, ClinGen allele CA6712855.

ClinVar aggregate classification (germline): Likely benign. Review status: criteria provided, multiple submitters, no conflicts (2 of 4 stars). 3 submissions from 3 submitters: Likely benign (2). 1 of the submissions does not count toward it. Last evaluated 2024-03-29.

Conditions:
Meckel-Gruber syndrome. Also called: DYSENCEPHALIA SPLANCHNOCYSTICA; GRUBER SYNDROME; Dysencephalia splachnocystica. Identifiers: Orphanet 564, MedGen C0265215, MONDO:0018921.
Nephronophthisis. Also called: Juvenile Nephronophthisis. Identifiers: Orphanet 655, MedGen C0687120, MONDO:0019005, HP:0000090.
Joubert syndrome. Also called: Familial aplasia of the vermis; JOUBERT-BOLTSHAUSER SYNDROME. Identifiers: Orphanet 475, MedGen C5979921, MONDO:0018772.
CEP290-related disorder. Also called: CEP290-related disorders; CEP290-related condition. Identifiers: MedGen CN239314.

Allele frequency attached by ClinVar (database versions not stated): gnomAD exomes 0.00001; ExAC 0.00003.
gnomAD v4.1: 5 of 1,192,750 alleles (0.00042%); highest among the groups gnomAD compares: East Asian, 0.0028%; no homozygotes.

Submissions (3):

Blueprint Genetics
Classification: Likely benign. Last evaluated: 2024-03-29. Review status: criteria provided, single submitter. Criteria: ACMG Guidelines, 2015. Collection method: clinical testing. Allele origin: germline.

Labcorp Genetics (formerly Invitae), Labcorp
Classification: Likely benign for Joubert syndrome; Meckel-Gruber syndrome; Nephronophthisis. Last evaluated: 2024-01-24. Review status: criteria provided, single submitter. Criteria: Invitae Variant Classification Sherloc (09022015). Collection method: clinical testing. Allele origin: germline.

PreventionGenetics, part of Exact Sciences
Classification: Likely benign for CEP290-related condition. Last evaluated: 2019-02-27. Review status: no assertion criteria provided. Collection method: clinical testing. Allele origin: germline. Not counted in ClinVar's aggregate classification.
Comment: This variant is classified as likely benign based on ACMG/AMP sequence variant interpretation guidelines (Richards et al. 2015 PMID: 25741868, with internal and published modifications).